The following is an entry in ClinVar:

NM_001256071.3(RNF213):c.957C>T (p.Asp319=)

Gene: RNF213 (ring finger protein 213; plus strand). Cytogenetic location: 17q25.3.
Variant type: single nucleotide variant.
Coding change: c.957C>T on transcript NM_001256071.3 (MANE Select); coding-DNA position 957, C replaced by T.
Protein change: p.Asp319=; no amino-acid change (aspartic acid 319 retained).
Molecular consequence: synonymous variant.
Genome position (GRCh38, 1-based): chr17:80,289,682, C>T. VCF-style: chr17-80289682-C-T. GRCh37 (hg19) VCF-style: chr17-78263481-C-T.
Other names: c.1104C>T, p.Asp368= (NM_001410195.1, NM_020914.5); c.957C>T, p.Asp319= (NM_020954.4).
Identifiers: ClinVar variation 3043071 (VCV003043071.3), dbSNP rs368929895, ClinGen allele CA8819409.

ClinVar aggregate classification (germline): Likely benign. Review status: criteria provided, single submitter (1 of 4 stars). 2 submissions from 2 submitters: Likely benign (1). 1 of the submissions does not count toward it. Last evaluated 2025-08-12.

Conditions:
RNF213-related disorder. Also called: RNF213-related condition.

Allele frequency attached by ClinVar (database versions not stated): ExAC 0.00007; ESP Exome Variant Server 0.00031.
gnomAD v4.1: 92 of 1,613,406 alleles (0.0057%); highest among the groups gnomAD compares: Non-Finnish European, 0.0071%; no homozygotes.

Submissions (2):

Labcorp Genetics (formerly Invitae), Labcorp
Classification: Likely benign. Last evaluated: 2025-08-12. Review status: criteria provided, single submitter. Criteria: Invitae Variant Classification Sherloc (09022015). Collection method: clinical testing. Allele origin: germline.

PreventionGenetics, part of Exact Sciences
Classification: Likely benign for RNF213-related condition. Last evaluated: 2019-06-26. Review status: no assertion criteria provided. Collection method: clinical testing. Allele origin: germline. Not counted in ClinVar's aggregate classification.
Comment: This variant is classified as likely benign based on ACMG/AMP sequence variant interpretation guidelines (Richards et al. 2015 PMID: 25741868, with internal and published modifications).